The following is an entry in ClinVar:

NM_001032382.2:c.641_642insC

Gene: PQBP1 (polyglutamine binding protein 1; plus strand).
Variant type: Insertion.
Other names: c.641_642insC (NM_001032382.2).
Identifiers: ClinVar variation 4795965 (VCV004795965.1).

ClinVar aggregate classification (germline): Pathogenic (1 of 4 stars; one submission).

Conditions:
Renpenning syndrome. Also called: MENTAL RETARDATION, X-LINKED 55; MENTAL RETARDATION, X-LINKED, SYNDROMIC 8; SUTHERLAND-HAAN X-LINKED MENTAL RETARDATION SYNDROME; Mental retardation, X-linked Renpenning type; X-linked mental retardation with spastic diplegia; X-linked mental retardation syndromic 3. Identifiers: Orphanet 3242, MedGen C0796135, MONDO:0010653, OMIM 309500.

Submission:

Department of Pediatrics, Fuyang People's Hospital of Anhui Medical University
Classification: Pathogenic for Renpenning syndrome. Last evaluated: 2004-03-01. Review status: criteria provided, single submitter. Criteria: ACMG Guidelines, 2015. Collection method: research. Allele origin: germline. Inheritance: X-linked recessive inheritance. Affected: yes. Observed: 20 variant alleles.
Comment: This frameshift insertion (c.641_642insC, previously described as c.641insC in Lenski et al., 2004) in exon 5 of the PQBP1 gene results in a premature stop codon at amino acid position 226, leading to a truncated protein lacking the C-terminal domain (PVS1). This variant was absent from 200 control X chromosomes (PM2). Carrier females showed normal phenotype and no skewed X-chromosome inactivation, demonstrating strong co-segregation with disease in a large multigenerational pedigree (PP1_Strong). The variant is located very close to the exon/intron boundary. The phenotype in affected males, including intellectual disability, microcephaly, short stature, and lean body build, is highly specific for Renpenning syndrome (PP4). In summary, this variant meets criteria to be classified as Pathogenic for Renpenning syndrome based on the ACMG/AMP guidelines (PMID:25741868): PVS1, PM2, PP1_Strong, PP4.

Literature cited by the submitters: PubMed 15024694.